The following is an entry in ClinVar:

ClinVar aggregate classification (germline): Pathogenic/Likely pathogenic. Review status: criteria provided, multiple submitters, no conflicts (2 of 4 stars). 5 submissions from 5 submitters: Pathogenic (3); Likely pathogenic (2). Last evaluated 2026-09-17.

Conditions:
Cardiovascular phenotype. Identifiers: MedGen CN230736.
Ehlers-Danlos syndrome due to tenascin-X deficiency (EDSCLL1). Also called: EDS DUE TO TNX DEFICIENCY; TNX DEFICIENCY; TNXB-Related Classical-Like Ehlers-Danlos Syndrome; EHLERS-DANLOS SYNDROME, CLASSIC-LIKE; Ehlers-Danlos syndrome, classic-like, 1. Identifiers: Orphanet 230839, MedGen C1848029, MONDO:0011670, OMIM 606408.

Allele frequency attached by ClinVar (database versions not stated): ExAC 0.00002; gnomAD exomes 0.00003 and 0.00002; gnomAD 0.00002; TOPMed 0.00003.
gnomAD v4.1: 39 of 1,611,306 alleles (0.0024%); highest among the groups gnomAD compares: Non-Finnish European, 0.0032%; no homozygotes.

Submissions (5):

GeneDx
Classification: Likely pathogenic. Last evaluated: 2026-09-17. Review status: criteria provided, single submitter. Criteria: GeneDx Variant Classification Process June 2021. Collection method: clinical testing. Allele origin: germline.
Comment: Nonsense variant predicted to result in protein truncation or nonsense mediated decay in a gene for which loss of function is a known mechanism of disease; Not observed at significant frequency in large population cohorts (gnomAD); Has not been previously published as pathogenic or benign to our knowledge

Ambry Genetics
Classification: Pathogenic for Cardiovascular phenotype. Last evaluated: 2025-11-10. Review status: criteria provided, single submitter. Criteria: Ambry Variant Classification Scheme 2023. Collection method: clinical testing. Allele origin: germline.
Comment: The p.Q2269* pathogenic mutation (also known as c.6805C>T), located in coding exon 18 of the TNXB gene, results from a C to T substitution at nucleotide position 6805. This changes the amino acid from a glutamine to a stop codon within coding exon 18. This alteration is expected to result in loss of function by premature protein truncation or nonsense-mediated mRNA decay. This pathogenic alteration is expected to cause autosomal recessive classic-like EDS when detected with a second pathogenic or likely pathogenic variant on the other allele. However, although haploinsufficiency of TNXB has been reported in association with hypermobility in females (Zweers MC, et al. Am J Hum Genet. 2003; 73(1):217-7), a causal relationship has not been established and its clinical significance in the heterozygous state is unclear.

Laboratory of Genetics, Children's Clinical University Hospital Latvia
Classification: Likely pathogenic. Last evaluated: 2025-02-16. Review status: criteria provided, single submitter. Criteria: ACMG Guidelines, 2015. Collection method: clinical testing. Allele origin: germline. Affected: yes.

Women's Health and Genetics/Laboratory Corporation of America, LabCorp
Classification: Pathogenic for Ehlers-Danlos syndrome due to tenascin-X deficiency. Last evaluated: 2024-12-09. Review status: criteria provided, single submitter. Criteria: LabCorp Variant Classification Summary - May 2015. Collection method: clinical testing. Allele origin: germline.
Comment: Variant summary: TNXB c.6805C>T (p.Gln2269X) results in a premature termination codon, predicted to cause absence of the protein due to nonsense mediated decay, which is a commonly known mechanism for disease. The variant allele was found at a frequency of 1.6e-05 in 243900 control chromosomes (gnomAD). To our knowledge, no occurrence of c.6805C>T in individuals affected with Ehlers-Danlos syndrome due to tenascin-X deficiency and no experimental evidence demonstrating its impact on protein function have been reported. ClinVar contains an entry for this variant (Variation ID: 1196848). Based on the evidence outlined above, the variant was classified as pathogenic.

Myriad Genetics, Inc.
Classification: Pathogenic for Ehlers-Danlos syndrome due to tenascin-X deficiency. Last evaluated: 2024-04-28. Review status: criteria provided, single submitter. Criteria: Myriad Autosomal Dominant, Autosomal Recessive and X-Linked Classification Criteria (2023). Collection method: clinical testing. Allele origin: unknown.
Comment: NM_019105.6(TNXB):c.6805C>T(Q2269*) is expected to be pathogenic in the context of classical-like Ehlers-Danlos syndrome, TNXB-related. This variant is predicted to lead to an abnormal or absent protein product due to the creation of a premature termination codon in TNXB, a gene where loss-of-function variants are known to be pathogenic. Please note: this variant was assessed in the context of healthy population screening.

NM_001365276.2(TNXB):c.6805C>T (p.Gln2269Ter)

Gene: TNXB (tenascin XB; minus strand). Cytogenetic location: 6p21.33.
Variant type: single nucleotide variant.
Coding change: c.6805C>T on transcript NM_001365276.2 (MANE Select); coding-DNA position 6805, C replaced by T.
Protein change: p.Gln2269Ter; replaces glutamine 2269 with a stop codon.
Molecular consequence: nonsense.
Genome position (GRCh38, 1-based): chr6:32,064,857, G>A on the plus strand (C>T on the coding strand, the complement: TNXB is on the minus strand). VCF-style: chr6-32064857-G-A. GRCh37 (hg19) VCF-style: chr6-32032634-G-A.
Other names: c.6805C>T, p.Gln2269Ter (NM_019105.8); short protein forms Q2269*.
Identifiers: ClinVar variation 1196848 (VCV001196848.11), dbSNP rs749742731, ClinGen allele CA3734332.